The following is an entry in ClinVar:

NM_001365088.1(SLC12A6):c.1174A>G (p.Lys392Glu)

Gene: SLC12A6 (solute carrier family 12 member 6; minus strand). Cytogenetic location: 15q14.
Variant type: single nucleotide variant.
Coding change: c.1174A>G on transcript NM_001365088.1 (MANE Select); coding-DNA position 1174, A replaced by G.
Protein change: p.Lys392Glu; replaces lysine 392 with glutamic acid.
Molecular consequence: missense variant.
Genome position (GRCh38, 1-based): chr15:34,252,329, T>C on the plus strand (A>G on the coding strand, the complement: SLC12A6 is on the minus strand). VCF-style: chr15-34252329-T-C. GRCh37 (hg19) VCF-style: chr15-34544530-T-C.
Other names: c.997A>G, p.Lys333Glu (NM_001042494.2, NM_001042495.2); c.1147A>G, p.Lys383Glu (NM_001042496.2); c.1129A>G, p.Lys377Glu (NM_001042497.2); c.1021A>G, p.Lys341Glu (NM_005135.2); c.1174A>G, p.Lys392Glu (NM_133647.2); short protein forms K333E, K341E, K377E, K383E, K392E.
Identifiers: ClinVar variation 3613218 (VCV003613218.2).

ClinVar aggregate classification (germline): Uncertain significance (1 of 4 stars; one submission).

gnomAD v4.1: 7 of 1,613,316 alleles (0.00043%); highest among the groups gnomAD compares: African/African-American, 0.008%; no homozygotes.

Submission:

Labcorp Genetics (formerly Invitae), Labcorp
Classification: Uncertain significance. Last evaluated: 2024-04-04. Review status: criteria provided, single submitter. Criteria: Invitae Variant Classification Sherloc (09022015). Collection method: clinical testing. Allele origin: germline.
Comment: This sequence change replaces lysine, which is basic and polar, with glutamic acid, which is acidic and polar, at codon 392 of the SLC12A6 protein (p.Lys392Glu). The frequency data for this variant in the population databases is considered unreliable, as metrics indicate poor data quality at this position in the gnomAD database. This variant has not been reported in the literature in individuals affected with SLC12A6-related conditions. Advanced modeling of protein sequence and biophysical properties (such as structural, functional, and spatial information, amino acid conservation, physicochemical variation, residue mobility, and thermodynamic stability) performed at Invitae indicates that this missense variant is not expected to disrupt SLC12A6 protein function with a negative predictive value of 80%. In summary, the available evidence is currently insufficient to determine the role of this variant in disease. Therefore, it has been classified as a Variant of Uncertain Significance.